The following is an entry in ClinVar:

ClinVar aggregate classification (germline): Uncertain significance. Review status: criteria provided, multiple submitters, no conflicts (2 of 4 stars). 5 submissions from 5 submitters: Uncertain significance (5). Last evaluated 2025-08-01.

Conditions:
Developmental and epileptic encephalopathy, 18 (DEE18). Also called: Early infantile epileptic encephalopathy 18. Identifiers: Orphanet 369894, MedGen C3809624, MONDO:0014201, OMIM 615476.
Inborn genetic diseases. Identifiers: MedGen C0950123, MeSH D030342.

Allele frequency attached by ClinVar (database versions not stated): gnomAD exomes 0.00003 and 0.00005; ExAC 0.00004; 1000 Genomes Project 0.00020; gnomAD 0.00021 and 0.00022; TOPMed 0.00028; 1000 Genomes Project 30x 0.00031; ESP Exome Variant Server 0.00031.
gnomAD v4.1: 90 of 1,612,894 alleles (0.0056%); highest among the groups gnomAD compares: African/African-American, 0.087%; no homozygotes.

Submissions (5):

GeneDx
Classification: Uncertain significance. Last evaluated: 2025-08-01. Review status: criteria provided, single submitter. Criteria: GeneDx Variant Classification Process June 2021. Collection method: clinical testing. Allele origin: germline. Affected: yes.
Comment: In silico analysis suggests that this missense variant does not alter protein structure/function; Has not been previously published as pathogenic or benign to our knowledge

Blueprint Genetics
Classification: Uncertain significance. Last evaluated: 2024-06-05. Review status: criteria provided, single submitter. Criteria: ACMG Guidelines, 2015. Collection method: clinical testing. Allele origin: germline.

Genome-Nilou Lab
Classification: Uncertain significance for Developmental and epileptic encephalopathy, 18. Last evaluated: 2023-04-11. Review status: criteria provided, single submitter. Criteria: ACMG Guidelines, 2015. Collection method: clinical testing. Allele origin: germline. Affected: no.

Labcorp Genetics (formerly Invitae), Labcorp
Classification: Uncertain significance. Last evaluated: 2022-09-02. Review status: criteria provided, single submitter. Criteria: Invitae Variant Classification Sherloc (09022015). Collection method: clinical testing. Allele origin: germline.
Comment: This sequence change replaces proline, which is neutral and non-polar, with leucine, which is neutral and non-polar, at codon 2262 of the SZT2 protein (p.Pro2262Leu). This variant is present in population databases (rs150979208, gnomAD 0.07%). This variant has not been reported in the literature in individuals affected with SZT2-related conditions. ClinVar contains an entry for this variant (Variation ID: 854001). Algorithms developed to predict the effect of missense changes on protein structure and function output the following: SIFT: "Deleterious"; PolyPhen-2: "Benign"; Align-GVGD: "Class C0". The leucine amino acid residue is found in multiple mammalian species, which suggests that this missense change does not adversely affect protein function. In summary, the available evidence is currently insufficient to determine the role of this variant in disease. Therefore, it has been classified as a Variant of Uncertain Significance.

Ambry Genetics
Classification: Uncertain significance for Inborn genetic diseases. Last evaluated: 2022-08-22. Review status: criteria provided, single submitter. Criteria: Ambry Variant Classification Scheme 2023. Collection method: clinical testing. Allele origin: germline.

NM_001365999.1(SZT2):c.6956C>T (p.Pro2319Leu)

Gene: SZT2 (SZT2 subunit of KICSTOR complex; plus strand). Cytogenetic location: 1p34.2.
Variant type: single nucleotide variant.
Coding change: c.6956C>T on transcript NM_001365999.1 (MANE Select); coding-DNA position 6956, C replaced by T.
Protein change: p.Pro2319Leu; replaces proline 2319 with leucine.
Molecular consequence: missense variant.
Genome position (GRCh38, 1-based): chr1:43,439,683, C>T. VCF-style: chr1-43439683-C-T. GRCh37 (hg19) VCF-style: chr1-43905354-C-T.
Other names: c.6785C>T, p.Pro2262Leu (NM_015284.4); short protein forms P2262L, P2319L.
Identifiers: ClinVar variation 854001 (VCV000854001.13), dbSNP rs150979208, ClinGen allele CA810065.